The following is an entry in ClinVar:

NM_001849.4(COL6A2):c.2883G>A (p.Ala961=)

Gene: COL6A2 (collagen type VI alpha 2 chain; plus strand). Cytogenetic location: 21q22.3.
Variant type: single nucleotide variant.
Coding change: c.2883G>A on transcript NM_001849.4 (MANE Select); coding-DNA position 2883, G replaced by A.
Protein change: p.Ala961=; no amino-acid change (alanine 961 retained).
Molecular consequence: synonymous variant.
Genome position (GRCh38, 1-based): chr21:46,132,375, G>A. VCF-style: chr21-46132375-G-A. GRCh37 (hg19) VCF-style: chr21-47552289-G-A.
Identifiers: ClinVar variation 592223 (VCV000592223.16), dbSNP rs369756029, ClinGen allele CA10073077.

ClinVar aggregate classification (germline): Conflicting classifications of pathogenicity. Review status: criteria provided, conflicting classifications (1 of 4 stars). 3 submissions from 3 submitters: Uncertain significance (1); Likely benign (2). Last evaluated 2026-04-05.

Conditions:
COL6A2-related disorder.
Bethlem myopathy 1A. Also called: Bethlem Muscular Dystrophy; Bethlem myopathy 1; MYOPATHY, BENIGN CONGENITAL, WITH CONTRACTURES. Identifiers: Orphanet 610, MedGen CN029274, MONDO:0024530, OMIM 158810.

Allele frequency attached by ClinVar (database versions not stated): ESP Exome Variant Server 0.00031; ExAC 0.00002; gnomAD exomes 0.00003; gnomAD 0.00005 and 0.00006; TOPMed 0.00010.
gnomAD v4.1: 48 of 1,609,164 alleles (0.003%); highest among the groups gnomAD compares: African/African-American, 0.0093%; no homozygotes.

Submissions (3):

PreventionGenetics, part of Exact Sciences
Classification: Likely benign for COL6A2-related condition. Last evaluated: 2026-04-05. Review status: criteria provided, single submitter. Criteria: ACMG Guidelines, 2015. Collection method: clinical testing. Allele origin: germline.
Comment: This variant is classified as likely benign based on ACMG/AMP sequence variant interpretation guidelines (Richards et al. 2015 PMID: 25741868, with internal and published modifications).

Labcorp Genetics (formerly Invitae), Labcorp
Classification: Likely benign for Bethlem myopathy 1A. Last evaluated: 2025-10-03. Review status: criteria provided, single submitter. Criteria: Invitae Variant Classification Sherloc (09022015). Collection method: clinical testing. Allele origin: germline.

Eurofins Ntd Llc (ga)
Classification: Uncertain significance. Last evaluated: 2018-01-11. Review status: criteria provided, single submitter. Criteria: EGL Classification Definitions 2015. Collection method: clinical testing. Allele origin: germline. Observed: 2 variant alleles, 2 heterozygotes.